The following is an entry in ClinVar:

ClinVar aggregate classification (germline): Uncertain significance (1 of 4 stars; one submission).

Conditions:
Familial hypocalciuric hypercalcemia (FHH). Also called: Familial benign hypercalcemia. Identifiers: Orphanet 405, MedGen C1809471, MONDO:0018458.
Autosomal dominant hypocalcemia 1 (HYPOC1). Also called: HYPOCALCEMIA, FAMILIAL. Identifiers: MedGen C3715128, MONDO:0011013, OMIM 601198.

Submission:

Labcorp Genetics (formerly Invitae), Labcorp
Classification: Uncertain significance for Familial hypocalciuric hypercalcemia; Autosomal dominant hypocalcemia 1. Last evaluated: 2023-06-27. Review status: criteria provided, single submitter. Criteria: Invitae Variant Classification Sherloc (09022015). Collection method: clinical testing. Allele origin: germline.
Comment: This variant is not present in population databases (gnomAD no frequency). This sequence change replaces lysine, which is basic and polar, with glutamic acid, which is acidic and polar, at codon 106 of the CASR protein (p.Lys106Glu). This variant has not been reported in the literature in individuals affected with CASR-related conditions. In summary, the available evidence is currently insufficient to determine the role of this variant in disease. Therefore, it has been classified as a Variant of Uncertain Significance. An algorithm developed to predict the effect of missense changes on protein structure and function (PolyPhen-2) suggests that this variant is likely to be disruptive.

NM_000388.4(CASR):c.316A>G (p.Lys106Glu)

Gene: CASR (calcium sensing receptor; plus strand). Cytogenetic location: 3q21.1.
Variant type: single nucleotide variant.
Coding change: c.316A>G on transcript NM_000388.4 (MANE Select); coding-DNA position 316, A replaced by G.
Protein change: p.Lys106Glu; replaces lysine 106 with glutamic acid.
Molecular consequence: missense variant.
Genome position (GRCh38, 1-based): chr3:122,257,211, A>G. VCF-style: chr3-122257211-A-G. GRCh37 (hg19) VCF-style: chr3-121976058-A-G.
Other names: c.316A>G, p.Lys106Glu (NM_001178065.2); short protein forms K106E.
Identifiers: ClinVar variation 2921483 (VCV002921483.3), dbSNP rs2473214562, ClinGen allele CA354362631.